The following is an entry in ClinVar:

ClinVar aggregate classification (germline): Likely pathogenic (1 of 4 stars; one submission).

Conditions:
Ataxia-telangiectasia syndrome (AT). Also called: LOUIS-BAR SYNDROME; Cerebello-oculocutaneous telangiectasia; Immunodeficiency with ataxia telangiectasia; Ataxia telangiectasia (A-T); Ataxia-telangiectasia, complementation group D; AT, COMPLEMENTATION GROUP C. Identifiers: Orphanet 100, MedGen C0004135, MONDO:0008840, OMIM 208900.

Allele frequency attached by ClinVar (database versions not stated): gnomAD 0.00001.
gnomAD v4.1: 1 of 1,521,934 alleles (0.000066%); no homozygotes.

Submission:

Labcorp Genetics (formerly Invitae), Labcorp
Classification: Likely pathogenic for Ataxia-telangiectasia syndrome. Last evaluated: 2021-09-20. Review status: criteria provided, single submitter. Criteria: Invitae Variant Classification Sherloc (09022015). Collection method: clinical testing. Allele origin: germline.
Comment: This sequence change affects an acceptor splice site in intron 45 of the ATM gene. It is expected to disrupt RNA splicing. Variants that disrupt the donor or acceptor splice site typically lead to a loss of protein function (PMID: 16199547), and loss-of-function variants in ATM are known to be pathogenic (PMID: 23807571, 25614872). This variant is not present in population databases (ExAC no frequency). This variant has not been reported in the literature in individuals affected with ATM-related conditions. Algorithms developed to predict the effect of sequence changes on RNA splicing suggest that this variant may disrupt the consensus splice site. In summary, the currently available evidence indicates that the variant is pathogenic, but additional data are needed to prove that conclusively. Therefore, this variant has been classified as Likely Pathogenic.

Literature cited by the submitters: PubMed 16199547; PubMed 23807571; PubMed 25614872.

NM_000051.4(ATM):c.6573-2A>C

Genes: C11orf65 (chromosome 11 open reading frame 65; minus strand), ATM (ATM serine/threonine kinase; plus strand). Cytogenetic location: 11q22.3.
Variant type: single nucleotide variant.
Coding change: c.6573-2A>C on transcript NM_000051.4 (MANE Select); the canonical splice acceptor site of the intron before coding-DNA position 6573, A replaced by C.
Molecular consequence: splice acceptor variant. On other transcripts: intron variant (2).
Genome position (GRCh38, 1-based): chr11:108,325,308, A>C. VCF-style: chr11-108325308-A-C. GRCh37 (hg19) VCF-style: chr11-108196035-A-C.
Other names: c.6573-2A>C (NM_001351834.2); c.641-16237T>G (NM_001330368.2); c.*38+9912T>G (NM_001351110.2).
Identifiers: ClinVar variation 1501692 (VCV001501692.7), dbSNP rs751168951, ClinGen allele CA382554636.
Genomic context (GRCh38, chr11:108,325,308, plus strand): 5'-AGTTTTTTTTTTTTTTTTTTTCATTTCTCTTGCTTACATGAACTCTATGTCGTGGCATTC[A>C]GATCAGTCACACATAGACAACTCTCTGAAGTATATATTAAGTGGCAGAAACACTCCCAGC-3'